The following is an entry in ClinVar:

ClinVar aggregate classification (germline): Uncertain significance (1 of 4 stars; one submission).

Submission:

Labcorp Genetics (formerly Invitae), Labcorp
Classification: Uncertain significance. Last evaluated: 2021-07-13. Review status: criteria provided, single submitter. Criteria: Invitae Variant Classification Sherloc (09022015). Collection method: clinical testing. Allele origin: germline.
Comment: This variant is not present in population databases (ExAC no frequency). This sequence change replaces aspartic acid with asparagine at codon 88 of the ALPK3 protein (p.Asp88Asn). The aspartic acid residue is weakly conserved and there is a small physicochemical difference between aspartic acid and asparagine. This variant has not been reported in the literature in individuals affected with ALPK3-related conditions. Algorithms developed to predict the effect of missense changes on protein structure and function (SIFT, PolyPhen-2, Align-GVGD) all suggest that this variant is likely to be tolerated. In summary, the available evidence is currently insufficient to determine the role of this variant in disease. Therefore, it has been classified as a Variant of Uncertain Significance.

NC_000015.10:g.84817108G>A

Gene: ALPK3 (alpha kinase 3; plus strand). Cytogenetic location: 15q25.3.
Variant type: single nucleotide variant.
Genome position: GRCh38 VCF-style: chr15-84817108-G-A. GRCh37 (hg19) VCF-style: chr15-85360339-G-A.
Identifiers: ClinVar variation 1504978 (VCV001504978.8), dbSNP rs2141541718, ClinGen allele CA393368546.
Genomic context (GRCh38, chr15:84,817,108, plus strand): 5'-CATGAGCAGGCCGGCCGGGAGCCGGGTCCCGGGAGCTCCACGAAGGGGCCTGTCCTCCAT[G>A]ACCAGGACACCCGCTGCGCCTTCCTCCCGAGGCCTCCCGGGCCTCTCCAGACGCGGCGCT-3'